The following is an entry in ClinVar:

ClinVar aggregate classification (germline): Pathogenic. Review status: criteria provided, multiple submitters, no conflicts (2 of 4 stars). 6 submissions from 5 submitters: Pathogenic (6). Last evaluated 2025-11-10.

Conditions:
PHOX2B-related disorder. Also called: PHOX2B-related condition.
Neuroblastoma, susceptibility to, 2. Identifiers: Orphanet 635, MedGen C2751682, MONDO:0700041, OMIM 613013.
Central hypoventilation syndrome, congenital, 1, with or without Hirschsprung disease (CCHS1). Also called: AUTONOMIC CONTROL, CONGENITAL FAILURE OF; ONDINE CURSE, CONGENITAL; Congenital Central Hypoventilation Syndrome (CCHS); CENTRAL HYPOVENTILATION SYNDROME, CONGENITAL, 1; Central hypoventilation syndrome, congenital, 1, with or without Hirschsprung. Identifiers: Orphanet 661, MedGen C5562075, MONDO:0800026, OMIM 209880.
Congenital central hypoventilation. Also called: Congenital Central Hypoventilation Syndrome. Identifiers: Orphanet 661, Orphanet 99803, MedGen C1275808, MONDO:0800031. Disease mechanism: gain of function.

Submissions (6):

PreventionGenetics, part of Exact Sciences
Classification: Pathogenic for PHOX2B-related condition. Last evaluated: 2025-11-10. Review status: criteria provided, single submitter. Criteria: ACMG Guidelines, 2015. Collection method: clinical testing. Allele origin: germline.
Comment: The PHOX2B c.756_776dup21 variant is predicted to result in an in-frame duplication (p.Ala254_Ala260dup). This variant has previously been reported in multiple individuals with congenital central hypoventilation syndrome (CCHS) (Serra et al. 2010. PubMed ID: 20456320). This duplication causes an expansion of the polyalanine repeat region from 20 repeats (normal) to 27 repeats; repeat expansions of similar size have been documented to be causative for CCHS (Lai and Schroer. 2008. PubMed ID: 18230845; Trivedi et al. 2011. PubMed ID: 21076974). This variant is not present in a large population database and has been interpreted as Pathogenic in the ClinVar database (Variation ID: 452239). Taken together, we interpret this variant as pathogenic.

Rady Children's Institute for Genomic Medicine, Rady Children's Hospital San Diego
Classification: Pathogenic for Central hypoventilation syndrome, congenital. Last evaluated: 2025-08-14. Review status: criteria provided, single submitter. Criteria: ACMG Guidelines, 2015. Collection method: clinical testing. Allele origin: germline. Affected: yes.
Comment: This variant is also referred to as p.Ala241[27]. This variant is located within the polyalanine tract in exon 3 of the PHOX2B gene and results in the expansion of the polyalanine tract to 27 repeats. Repeat expansions within the polyalanine tract in the PHOX2B gene are an established mechanism of disease and have been previously reported in patients with congenital central hypoventilation syndrome (PMID: 12640453, 14566559, 14608649, 15121777). This variant has been previously reported as a heterozygous change, including as a de novo event, in patients with congenital central hypoventilation syndrome (PMID: 20456320, 15121777). The c.756_776dup (p.Ala254_Ala260dup) variant is present in the latest version of the gnomAD population database at an allele frequency of 0.00008% (1/1288322) and thus is presumed to be rare. However, quality metrics indicate the frequency data for this variant in the population databases is considered unreliable in the latest version of the gnomAD database. Based on the available evidence, c.756_776dup (p.Ala254_Ala260dup) is classified as Pathogenic.

Rady Children's Institute for Genomic Medicine, Rady Children's Hospital San Diego
Classification: Pathogenic for PHOX2B-related disorders. Last evaluated: 2024-03-21. Review status: criteria provided, single submitter. Criteria: ACMG Guidelines, 2015. Collection method: clinical testing. Allele origin: germline. Affected: yes.
Comment: This variant is also referred to as p.Ala241[27]. This 21 base-pair insertion results in an expansion of the polyalanine repeat region in exon 3 from 20 to a total of 27 alanine repeats. Repeat expansions within the PHOX2B polyalanine tract are an established mechanism of disease and have been previously reported in patients with congenital central hypoventilation syndrome (PMID: 12640453, 14566559, 14608649, 15121777, 26063465). This variant is absent from the gnomAD v4 population database and thus is presumed to be rare. This result was confirmed by orthogonal testing performed at an external laboratory. Analysis of the parental samples was negative for the p.Ala241[27] variant, indicating it likely occurred as a de novo event. Based on the available evidence, the p.Ala241[27] variant is classified as Pathogenic.

GeneDx
Classification: Pathogenic. Last evaluated: 2023-03-31. Review status: criteria provided, single submitter. Criteria: GeneDx Variant Classification Process June 2021. Collection method: clinical testing. Allele origin: germline. Affected: yes.
Comment: Duplication of 7 alanine residues in the second polyalanine tract, resulting in a total of 27 alanine residues.; Polyalanine repeat expansion of 26 or more repeats have been reported in association with congenital central hypoventilation syndrome (PMID: 20301600; 20208042); Published functional evidence indicate that expanded PHOX2B protein forms ubiquitin positive inclusions, which sequester wild-type PHOX2B, resulting in reduced transcriptional and binding activity of wild-type protein and possibly supporting a dominant-negative effect (PMID 22307522; 23103552); Not observed at significant frequency in large population cohorts (gnomAD); This variant is associated with the following publications: (PMID: 23231723, 22437207, 18079495, 30850150, 12640453, 15121777, 20456320, 15860752, 22307522, 20301600, 20208042)

Blueprint Genetics
Classification: Pathogenic for PHOX2B-related disorders. Last evaluated: 2022-10-12. Review status: criteria provided, single submitter. Criteria: ACMG Guidelines, 2015. Collection method: clinical testing. Allele origin: germline. Affected: yes. Observed: 5 variant alleles.

Fulgent Genetics
Classification: Pathogenic for Central hypoventilation syndrome, congenital, 1, with or without Hirschsprung disease; Neuroblastoma, susceptibility to, 2. Last evaluated: 2022-04-08. Review status: criteria provided, single submitter. Criteria: ACMG Guidelines, 2015. Collection method: clinical testing. Allele origin: unknown.

Literature cited by the submitters: PubMed 12640453 (cited by Rady Children's Institute for Genomic Medicine, Rady Children's Hospital San Diego); PubMed 14566559 (cited by Rady Children's Institute for Genomic Medicine, Rady Children's Hospital San Diego); PubMed 14608649 (cited by Rady Children's Institute for Genomic Medicine, Rady Children's Hospital San Diego); PubMed 15121777 (cited by Rady Children's Institute for Genomic Medicine, Rady Children's Hospital San Diego); PubMed 15657873 (cited by Rady Children's Institute for Genomic Medicine, Rady Children's Hospital San Diego); PubMed 20301600 (cited by Rady Children's Institute for Genomic Medicine, Rady Children's Hospital San Diego); PubMed 20456320 (cited by Rady Children's Institute for Genomic Medicine, Rady Children's Hospital San Diego); PubMed 21336852 (cited by Rady Children's Institute for Genomic Medicine, Rady Children's Hospital San Diego); PubMed 22821709 (cited by Rady Children's Institute for Genomic Medicine, Rady Children's Hospital San Diego); PubMed 26063465 (cited by Rady Children's Institute for Genomic Medicine, Rady Children's Hospital San Diego); PubMed 35360554 (cited by Rady Children's Institute for Genomic Medicine, Rady Children's Hospital San Diego); PubMed 36031316 (cited by Rady Children's Institute for Genomic Medicine, Rady Children's Hospital San Diego).

NM_003924.4(PHOX2B):c.756_776dup (p.Ala254_Ala260dup)

Genes: PHOX2B (paired like homeobox 2B; minus strand), LOC110011216 (paired like homeobox 2b polyalanine repeat instability region; plus strand). Cytogenetic location: 4p13.
Variant type: Duplication.
Coding change: c.756_776dup on transcript NM_003924.4 (MANE Select); coding-DNA positions 756 to 776, 21 bases duplicated (GGCGGCAGCGGCAGCGGCGGC).
Protein change: p.Ala254_Ala260dup.
Molecular consequence: inframe insertion.
Genome position (GRCh38, 1-based): chr4:41,745,976-41,745,996, GCCGCCGCTGCCGCTGCCGCC duplicated on the plus strand (GGCGGCAGCGGCAGCGGCGGC on the coding strand, the reverse complement: PHOX2B is on the minus strand); duplicating any 21 consecutive bases within chr4:41,745,976-41,746,010 gives the same sequence; the c. name uses the placement nearest the transcript's 3' end. VCF-style (leftmost placement, unchanged base first): chr4-41745975-T-TGCCGCCGCTGCCGCTGCCGCC. GRCh37 (hg19) VCF-style: chr4-41747992-T-TGCCGCCGCTGCCGCTGCCGCC.
Other names: c.756_776dupGGCGGCAGCGGCAGCGGCGGC (NM_003924.3).
Identifiers: ClinVar variation 452239 (VCV000452239.13), dbSNP rs17879189, ClinGen allele CA658657380.